The following is an entry in ClinVar:

ClinVar aggregate classification (germline): Uncertain significance (1 of 4 stars; one submission).

Allele frequency attached by ClinVar (database versions not stated): gnomAD exomes below 0.00001; TOPMed below 0.00001.
gnomAD v4.1: 2 of 1,209,380 alleles (0.00017%); highest among the groups gnomAD compares: African/African-American, 0.0035%; no homozygotes.

Submission:

Women's Health and Genetics/Laboratory Corporation of America, LabCorp
Classification: Uncertain significance. Last evaluated: 2023-08-01. Review status: criteria provided, single submitter. Criteria: LabCorp Variant Classification Summary - May 2015. Collection method: clinical testing. Allele origin: germline.
Comment: Variant summary: HS6ST2 c.536A>G (p.Gln179Arg) results in a conservative amino acid change in the encoded protein sequence. Five of five in-silico tools predict a benign effect of the variant on protein function. The variant was absent in 177575 control chromosomes (gnomAD). The available data on variant occurrences in the general population are insufficient to allow any conclusion about variant significance. To our knowledge, no occurrence of c.536A>G in individuals affected with Paganini-Miozzo Syndrome and no experimental evidence demonstrating its impact on protein function have been reported. No submitters have cited clinical-significance assessments for this variant to ClinVar after 2014. Based on the evidence outlined above, the variant was classified as uncertain significance.

NM_001394073.1(HS6ST2):c.536A>G (p.Gln179Arg)

Gene: HS6ST2 (heparan sulfate 6-O-sulfotransferase 2; minus strand). Cytogenetic location: Xq26.2.
Variant type: single nucleotide variant.
Coding change: c.536A>G on transcript NM_001394073.1 (MANE Select); coding-DNA position 536, A replaced by G.
Protein change: p.Gln179Arg; replaces glutamine 179 with arginine.
Molecular consequence: missense variant.
Genome position (GRCh38, 1-based): chrX:132,957,219, T>C on the plus strand (A>G on the coding strand, the complement: HS6ST2 is on the minus strand). VCF-style: chrX-132957219-T-C. GRCh37 (hg19) VCF-style: chrX-132091247-T-C.
Other names: c.536A>G, p.Gln179Arg (NM_001077188.2, NM_001394074.1, NM_147175.4); short protein forms Q179R.
Identifiers: ClinVar variation 2581506 (VCV002581506.1), dbSNP rs2067089167, ClinGen allele CA414689484.